The following is an entry in ClinVar:

ClinVar aggregate classification (germline): Uncertain significance (1 of 4 stars; one submission).

Submission:

GeneDx
Classification: Uncertain significance. Last evaluated: 2023-05-02. Review status: criteria provided, single submitter. Criteria: GeneDx Variant Classification Process June 2021. Collection method: clinical testing. Allele origin: germline. Affected: yes.
Comment: Not observed at significant frequency in large population cohorts (gnomAD); In silico analysis supports that this missense variant has a deleterious effect on protein structure/function; Has not been previously published as pathogenic or benign to our knowledge

NM_001378454.1(ALMS1):c.886T>G (p.Ser296Ala)

Gene: ALMS1 (ALMS1 centrosome and basal body associated protein; plus strand). Cytogenetic location: 2p13.1.
Variant type: single nucleotide variant.
Coding change: c.886T>G on transcript NM_001378454.1 (MANE Select); coding-DNA position 886, T replaced by G.
Protein change: p.Ser296Ala; replaces serine 296 with alanine.
Molecular consequence: missense variant.
Genome position (GRCh38, 1-based): chr2:73,424,551, T>G. VCF-style: chr2-73424551-T-G. GRCh37 (hg19) VCF-style: chr2-73651679-T-G.
Other names: c.889T>G, p.Ser297Ala (NM_015120.4); short protein forms S296A, S297A.
Identifiers: ClinVar variation 2663563 (VCV002663563.1), dbSNP rs1459506019, ClinGen allele CA347260764.
Genomic context (GRCh38, chr2:73,424,551, plus strand): 5'-GCTTTATTCCAGGCTACTGCAGAAGTAGCTTCAGACTTAGCAAGCAGTCGCTTTAGTGTA[T>G]CTCAGCACCCGCTTATAGGCAGCACAGCTGTTGGGTCTCAGTGCCCTTTTTTACCTTCTG-3'
Protein context (NP_001365383.1, residues 286-306): SDLASSRFSV[Ser296Ala]QHPLIGSTAV